The following is an entry in ClinVar:

NM_020988.3(GNAO1):c.723+6946G>A

Gene: GNAO1 (G protein subunit alpha o1; plus strand). Cytogenetic location: 16q13.
Variant type: single nucleotide variant.
Coding change: c.723+6946G>A on transcript NM_020988.3 (MANE Select); 6946 bases into the intron after coding-DNA position 723, G replaced by A.
Molecular consequence: intron variant. On other transcripts: synonymous variant (1).
Genome position (GRCh38, 1-based): chr16:56,343,806, G>A. VCF-style: chr16-56343806-G-A. GRCh37 (hg19) VCF-style: chr16-56377718-G-A.
Other names: c.921G>A, p.Gln307= (NM_138736.3).
Identifiers: ClinVar variation 2646543 (VCV002646543.24), dbSNP rs2037832013, ClinGen allele CA495576314.

ClinVar aggregate classification (germline): Likely benign (1 of 4 stars; one submission).

Submission:

CeGaT Center for Human Genetics Tuebingen
Classification: Likely benign. Last evaluated: 2022-09-01. Review status: criteria provided, single submitter. Criteria: CeGaT Center For Human Genetics Tuebingen Variant Classification Criteria Version 2. Collection method: clinical testing. Allele origin: germline. Affected: yes. Observed: 1 variant allele.
Comment: GNAO1: BP4, BP7